The following is an entry in ClinVar:

NM_001848.3(COL6A1):c.2911G>A (p.Val971Met)

Gene: COL6A1 (collagen type VI alpha 1 chain; plus strand). Cytogenetic location: 21q22.3.
Variant type: single nucleotide variant.
Coding change: c.2911G>A on transcript NM_001848.3 (MANE Select); coding-DNA position 2911, G replaced by A.
Protein change: p.Val971Met; replaces valine 971 with methionine.
Molecular consequence: missense variant.
Genome position (GRCh38, 1-based): chr21:46,003,837, G>A. VCF-style: chr21-46003837-G-A. GRCh37 (hg19) VCF-style: chr21-47423751-G-A.
Other names: short protein forms V971M.
Identifiers: ClinVar variation 476434 (VCV000476434.26), dbSNP rs769795690, ClinGen allele CA10071071.
Genomic context (GRCh38, chr21:46,003,837, plus strand): 5'-ACGCCCGCTGCCATCGAGAAGGCCGTGCAGGAAGCCCAGCGGGCAGGCATCGAGATCTTC[G>A]TGGTGGTCGTGGGCCGCCAGGTGAATGAGCCCCACATCCGCGTCCTGGTCACCGGCAAGA-3'
Protein context (NP_001839.2, residues 961-981): EAQRAGIEIF[Val971Met]VVVGRQVNEP

ClinVar aggregate classification (germline): Conflicting classifications of pathogenicity. Review status: criteria provided, conflicting classifications (1 of 4 stars). 6 submissions from 5 submitters: Uncertain significance (5); Likely benign (1). Last evaluated 2026-01-20.

Conditions:
Bethlem myopathy 1A. Also called: Bethlem myopathy 1; MYOPATHY, BENIGN CONGENITAL, WITH CONTRACTURES; Bethlem Muscular Dystrophy. Identifiers: Orphanet 610, MedGen CN029274, MONDO:0024530, OMIM 158810.
Ullrich congenital muscular dystrophy 1A. Also called: Ullrich congenital muscular dystrophy 1; Intermediate COL6-RD. Identifiers: Orphanet 75840, MedGen C0410179, MONDO:0009681, OMIM 254090.
Collagen 6-related myopathy. Identifiers: MedGen CN117976, MONDO:0100225.

Allele frequency attached by ClinVar (database versions not stated): gnomAD 0.00006; TOPMed 0.00006.
gnomAD v4.1: 51 of 1,602,382 alleles (0.0032%); highest among the groups gnomAD compares: Admixed American, 0.022%; no homozygotes.

Submissions (6):

Dasa
Classification: Uncertain significance for Collagen 6-related myopathy. Last evaluated: 2026-01-20. Review status: criteria provided, single submitter. Criteria: DASA Assertion Criteria. Collection method: clinical testing. Allele origin: germline.
Comment: NM_001848.3(COL6A1):c.2911G>A (p.Val971Met) is a missense variant that results in the substitution of valine with methionine. This variant is rare in population databases. The currently available literature and clinical evidence are not sufficient to establish a definitive association between this variant and the reported condition. Therefore, this variant is classified as a variant of uncertain significance.

Labcorp Genetics (formerly Invitae), Labcorp
Classification: Likely benign for Bethlem myopathy 1A. Last evaluated: 2025-08-18. Review status: criteria provided, single submitter. Criteria: Invitae Variant Classification Sherloc (09022015). Collection method: clinical testing. Allele origin: germline.

GeneDx
Classification: Uncertain significance. Last evaluated: 2025-08-04. Review status: criteria provided, single submitter. Criteria: GeneDx Variant Classification Process June 2021. Collection method: clinical testing. Allele origin: germline. Affected: yes.
Comment: In silico analysis suggests that this missense variant does not alter protein structure/function; Has not been previously published as pathogenic or benign to our knowledge

Revvity Omics, Revvity
Classification: Uncertain significance. Last evaluated: 2020-07-28. Review status: criteria provided, single submitter. Criteria: ACMG Guidelines, 2015. Collection method: clinical testing. Allele origin: germline.

Genomic Research Center, Shahid Beheshti University of Medical Sciences
Classification: Uncertain significance for Bethlem myopathy 1A. Last evaluated: 2018-03-05. Review status: criteria provided, single submitter. Criteria: ACMG Guidelines, 2015. Collection method: clinical testing. Allele origin: inherited. Affected: yes. Observed: 1 variant allele.

Genomic Research Center, Shahid Beheshti University of Medical Sciences
Classification: Uncertain significance for Ullrich congenital muscular dystrophy 1A. Last evaluated: 2018-03-05. Review status: criteria provided, single submitter. Criteria: ACMG Guidelines, 2015. Collection method: clinical testing. Allele origin: inherited. Affected: yes. Observed: 1 variant allele.